The following is an entry in ClinVar:

NM_001283009.2(RTEL1):c.2736T>A (p.Phe912Leu)

Genes: RTEL1 (regulator of telomere elongation helicase 1; plus strand), RTEL1-TNFRSF6B (RTEL1-TNFRSF6B readthrough (NMD candidate); plus strand). Cytogenetic location: 20q13.33.
Variant type: single nucleotide variant.
Coding change: c.2736T>A on transcript NM_001283009.2 (MANE Select); coding-DNA position 2736, T replaced by A.
Protein change: p.Phe912Leu; replaces phenylalanine 912 with leucine.
Molecular consequence: missense variant. On other transcripts: non-coding transcript variant (1).
Genome position (GRCh38, 1-based): chr20:63,692,888, T>A. VCF-style: chr20-63692888-T-A. GRCh37 (hg19) VCF-style: chr20-62324241-T-A.
Other names: c.2067T>A, p.Phe689Leu (NM_001283010.1); c.2736T>A, p.Phe912Leu (NM_016434.4); c.2808T>A, p.Phe936Leu (NM_032957.5); short protein forms F936L, F689L, F912L.
Identifiers: ClinVar variation 4825688 (VCV004825688.1).
Genomic context (GRCh38, chr20:63,692,888, plus strand): 5'-GACGGACAGGGCCAAGCTCTTCATGGTGGCCGTGAAGCAGGAGTTGAGCCAAGCCAACTT[T>A]GCCACCTTCACCCAGGCCCTGCAGGACTACAAGGGTTCCGATGACTTCGCCGCCCTGGCC-3'
Protein context (NP_001269938.1, residues 902-922): AVKQELSQAN[Phe912Leu]ATFTQALQDY

ClinVar aggregate classification (germline): Uncertain significance (1 of 4 stars; one submission).

Conditions:
Inborn genetic diseases. Identifiers: MedGen C0950123, MeSH D030342.

gnomAD v4.1: 1 of 1,612,634 alleles (0.000062%); highest among the groups gnomAD compares: Non-Finnish European, 0.000085%; no homozygotes.

Submission:

Ambry Genetics
Classification: Uncertain significance for Inborn genetic diseases. Last evaluated: 2026-02-19. Review status: criteria provided, single submitter. Criteria: Ambry Variant Classification Scheme 2023. Collection method: clinical testing. Allele origin: germline.
Comment: The p.F912L variant (also known as c.2736T>A), located in coding exon 28 of the RTEL1 gene, results from a T to A substitution at nucleotide position 2736. The phenylalanine at codon 912 is replaced by leucine, an amino acid with highly similar properties. This amino acid position is conserved. In addition, this alteration is predicted to be tolerated by in silico analysis. Based on the available evidence, the clinical significance of this variant remains unclear.